The following is an entry in ClinVar:

ClinVar aggregate classification (germline): Uncertain significance (1 of 4 stars; one submission).

Conditions:
Ataxia-telangiectasia syndrome (AT). Also called: LOUIS-BAR SYNDROME; Cerebello-oculocutaneous telangiectasia; Immunodeficiency with ataxia telangiectasia; Ataxia telangiectasia (A-T); Ataxia-telangiectasia, complementation group D; AT, COMPLEMENTATION GROUP C. Identifiers: Orphanet 100, MedGen C0004135, MONDO:0008840, OMIM 208900.

Submission:

Labcorp Genetics (formerly Invitae), Labcorp
Classification: Uncertain significance for Ataxia-telangiectasia syndrome. Last evaluated: 2023-03-27. Review status: criteria provided, single submitter. Criteria: Invitae Variant Classification Sherloc (09022015). Collection method: clinical testing. Allele origin: germline.
Comment: Algorithms developed to predict the effect of sequence changes on RNA splicing suggest that this variant may disrupt the consensus splice site. In summary, the available evidence is currently insufficient to determine the role of this variant in disease. Therefore, it has been classified as a Variant of Uncertain Significance. Experimental studies and prediction algorithms are not available or were not evaluated, and the functional significance of this variant is currently unknown. This variant has not been reported in the literature in individuals affected with ATM-related conditions. This variant is not present in population databases (gnomAD no frequency). This sequence change creates a premature translational stop signal (p.Trp3055*) in the ATM gene. While this is not anticipated to result in nonsense mediated decay, it is expected to disrupt the last 2 amino acid(s) of the ATM protein.

NM_000051.4(ATM):c.9165G>A (p.Trp3055Ter)

Genes: ATM (ATM serine/threonine kinase; plus strand), C11orf65 (chromosome 11 open reading frame 65; minus strand). Cytogenetic location: 11q22.3.
Variant type: single nucleotide variant.
Coding change: c.9165G>A on transcript NM_000051.4 (MANE Select); coding-DNA position 9165, G replaced by A.
Protein change: p.Trp3055Ter; replaces tryptophan 3055 with a stop codon.
Molecular consequence: nonsense. On other transcripts: intron variant (2).
Genome position (GRCh38, 1-based): chr11:108,365,502, G>A. VCF-style: chr11-108365502-G-A. GRCh37 (hg19) VCF-style: chr11-108236229-G-A.
Other names: c.9165G>A, p.Trp3055Ter (NM_001351834.2); c.640+20418C>T (NM_001330368.2); c.694+20418C>T (NM_001351110.2); short protein forms W3055*.
Identifiers: ClinVar variation 2850050 (VCV002850050.3), dbSNP rs2137930827, ClinGen allele CA382532198.